The following is an entry in ClinVar:

ClinVar aggregate classification (germline): Likely benign. Review status: criteria provided, multiple submitters, no conflicts (2 of 4 stars). 3 submissions from 3 submitters: Likely benign (3). Last evaluated 2026-01-14.

Submissions (3):

Labcorp Genetics (formerly Invitae), Labcorp
Classification: Likely benign. Last evaluated: 2026-01-14. Review status: criteria provided, single submitter. Criteria: Invitae Variant Classification Sherloc (09022015). Collection method: clinical testing. Allele origin: germline.

Blueprint Genetics
Classification: Likely benign. Last evaluated: 2023-12-29. Review status: criteria provided, single submitter. Criteria: ACMG Guidelines, 2015. Collection method: clinical testing. Allele origin: germline.

Laboratory for Molecular Medicine, Mass General Brigham Personalized Medicine
Classification: Likely benign. Last evaluated: 2015-11-09. Review status: criteria provided, single submitter. Criteria: LMM Criteria. Collection method: clinical testing. Allele origin: germline. Observed: 1 variant allele.
Comment: c.3924+31_3924+46dup in intron 30 of MYO7A: This variant is not expected to have clinical significance because it is not located within the splice consensus seq uence and splice prediction tools do not suggest an impact to the canonical spli ce site. It has been identified in 5/19858 European chromosomes by the Exome Ag gregation Consortium (ExAC), though the ability of these studies to accurately detect indels may be limited.

NM_000260.4(MYO7A):c.3924+10CCCGGAAGCACCTCCT[3]

Gene: MYO7A (myosin VIIA; plus strand). Cytogenetic location: 11q13.5.
Variant type: Microsatellite.
Coding change: c.3924+10CCCGGAAGCACCTCCT[3] on transcript NM_000260.4 (MANE Select); three copies in a row of the 16-base unit CCCGGAAGCACCTCCT starting at c.3924+10.
Molecular consequence: intron variant.
Genome position: GRCh38 VCF-style: chr11-77190879-G-GCCCGGAAGCACCTCCT. GRCh37 (hg19) VCF-style: chr11-76901924-G-GCCCGGAAGCACCTCCT.
Other names: c.3891+10CCCGGAAGCACCTCCT[3] (NM_001369365.1); c.3924+10CCCGGAAGCACCTCCT[3] (NM_001127180.2).
Identifiers: ClinVar variation 227684 (VCV000227684.13), dbSNP rs759572835, ClinGen allele CA10576901.
Genomic context (GRCh38, chr11:77,190,879, plus strand): 5'-CTCTCTCAAGGACCGGTTCGGGTTCTCCCTCTACATTGCCCTGTTTGACAAGGTATGGCC[G>GCCCGGAAGCACCTCCT]CCCGGAAGCACCTCCTCCCGGAAGCACCTCCTCCCGGCCCCACTCCGGGCTGCCAGTGCT-3'